The following is an entry in ClinVar:

NM_001376.5(DYNC1H1):c.10631G>A (p.Arg3544His)

Gene: DYNC1H1 (dynein cytoplasmic 1 heavy chain 1; plus strand). Cytogenetic location: 14q32.31.
Variant type: single nucleotide variant.
Coding change: c.10631G>A on transcript NM_001376.5 (MANE Select); coding-DNA position 10631, G replaced by A.
Protein change: p.Arg3544His; replaces arginine 3544 with histidine.
Molecular consequence: missense variant.
Genome position (GRCh38, 1-based): chr14:102,034,329, G>A. VCF-style: chr14-102034329-G-A. GRCh37 (hg19) VCF-style: chr14-102500666-G-A.
Other names: short protein forms R3544H.
Identifiers: ClinVar variation 3250955 (VCV003250955.18), dbSNP rs761216533.

ClinVar aggregate classification (germline): Uncertain significance (1 of 4 stars; one submission).

Allele frequency attached by ClinVar (database versions not stated): ExAC 0.00001; gnomAD exomes 0.00001.
gnomAD v4.1: 10 of 1,614,226 alleles (0.00062%); highest among the groups gnomAD compares: Admixed American, 0.0017%; no homozygotes.

Submission:

CeGaT Center for Human Genetics Tuebingen
Classification: Uncertain significance. Last evaluated: 2025-08-01. Review status: criteria provided, single submitter. Criteria: CeGaT Center For Human Genetics Tuebingen Variant Classification Criteria Version 2. Collection method: clinical testing. Allele origin: germline. Affected: yes. Observed: 2 variant alleles.
Comment: DYNC1H1: PP2